The following is an entry in ClinVar:

ClinVar aggregate classification (germline): Likely benign (1 of 4 stars; one submission).

Submission:

CeGaT Center for Human Genetics Tuebingen
Classification: Likely benign. Last evaluated: 2026-08-01. Review status: criteria provided, single submitter. Criteria: CeGaT Center For Human Genetics Tuebingen Variant Classification Criteria Version 2. Collection method: clinical testing. Allele origin: germline. Affected: yes. Observed: 1 variant allele.
Comment: PWP2: BP4, BP7

NM_005049.3(PWP2):c.432C>T (p.Tyr144=)

Gene: PWP2 (PWP2 small subunit processome component; plus strand). Cytogenetic location: 21q22.3.
Variant type: single nucleotide variant.
Coding change: c.432C>T on transcript NM_005049.3 (MANE Select); coding-DNA position 432, C replaced by T.
Protein change: p.Tyr144=; no amino-acid change (tyrosine 144 retained).
Molecular consequence: synonymous variant.
Genome position (GRCh38, 1-based): chr21:44,114,730, C>T. VCF-style: chr21-44114730-C-T. GRCh37 (hg19) VCF-style: chr21-45534611-C-T.
Identifiers: ClinVar variation 5039077 (VCV005039077.1).